The following is an entry in ClinVar:

NM_001122752.2(SERPINI1):c.456T>G (p.Asn152Lys)

Gene: SERPINI1 (serpin family I member 1; plus strand). Cytogenetic location: 3q26.1.
Variant type: single nucleotide variant.
Coding change: c.456T>G on transcript NM_001122752.2 (MANE Select); coding-DNA position 456, T replaced by G.
Protein change: p.Asn152Lys; replaces asparagine 152 with lysine.
Molecular consequence: missense variant.
Genome position (GRCh38, 1-based): chr3:167,790,577, T>G. VCF-style: chr3-167790577-T-G. GRCh37 (hg19) VCF-style: chr3-167508365-T-G.
Other names: c.456T>G, p.Asn152Lys (NM_005025.5); short protein forms N152K.
Identifiers: ClinVar variation 841319 (VCV000841319.1), dbSNP rs759200368, ClinGen allele CA355156352.

ClinVar aggregate classification (germline): Uncertain significance (1 of 4 stars; one submission).

Conditions:
Familial encephalopathy with neuroserpin inclusion bodies. Also called: ENCEPHALOPATHY, FAMILIAL, WITH COLLINS BODIES. Identifiers: Orphanet 85110, MedGen C1858680, MONDO:0011412, OMIM 604218.

Submission:

Labcorp Genetics (formerly Invitae), Labcorp
Classification: Uncertain significance for Encephalopathy, familial, with neuroserpin inclusion bodies. Last evaluated: 2019-01-18. Review status: criteria provided, single submitter. Criteria: Invitae Variant Classification Sherloc (09022015). Collection method: clinical testing. Allele origin: germline.
Comment: This sequence change replaces asparagine with lysine at codon 152 of the SERPINI1 protein (p.Asn152Lys). The asparagine residue is highly conserved and there is a moderate physicochemical difference between asparagine and lysine. This variant is not present in population databases (ExAC no frequency). This variant has not been reported in the literature in individuals with SERPINI1-related conditions. Algorithms developed to predict the effect of missense changes on protein structure and function (SIFT, PolyPhen-2, Align-GVGD) all suggest that this variant is likely to be disruptive, but these predictions have not been confirmed by published functional studies and their clinical significance is uncertain. In summary, the available evidence is currently insufficient to determine the role of this variant in disease. Therefore, it has been classified as a Variant of Uncertain Significance.